The following is an entry in ClinVar:

ClinVar aggregate classification (germline): Benign (0 of 4 stars; one submission).

Conditions:
SYNRG-related disorder. Also called: SYNRG-related condition.

Allele frequency attached by ClinVar (database versions not stated): ESP Exome Variant Server 0.00054; gnomAD 0.00059; ExAC 0.00065.
gnomAD v4.1: 677 of 1,614,106 alleles (0.042%); highest among the groups gnomAD compares: Admixed American, 0.17%; 5 homozygotes.

Submission:

PreventionGenetics, part of Exact Sciences
Classification: Benign for SYNRG-related condition. Last evaluated: 2019-11-08. Review status: no assertion criteria provided. Collection method: clinical testing. Allele origin: germline.
Comment: This variant is classified as benign based on ACMG/AMP sequence variant interpretation guidelines (Richards et al. 2015 PMID: 25741868, with internal and published modifications).

NM_007247.6(SYNRG):c.2989G>C (p.Glu997Gln)

Genes: SYNRG (synergin gamma; minus strand), LOC126862546 (MED14-independent group 3 enhancer GRCh37_chr17:35901785-35902984; plus strand). Cytogenetic location: 17q12.
Variant type: single nucleotide variant.
Coding change: c.2989G>C on transcript NM_007247.6 (MANE Select); coding-DNA position 2989, G replaced by C.
Protein change: p.Glu997Gln; replaces glutamic acid 997 with glutamine.
Molecular consequence: missense variant.
Genome position (GRCh38, 1-based): chr17:37,542,185, C>G on the plus strand (G>C on the coding strand, the complement: SYNRG is on the minus strand). VCF-style: chr17-37542185-C-G. GRCh37 (hg19) VCF-style: chr17-35902287-C-G.
Other names: c.2755G>C, p.Glu919Gln (NM_001163544.3, NM_080550.5, NM_198882.3); c.2752G>C, p.Glu918Gln (NM_001163545.3); c.2620G>C, p.Glu874Gln (NM_001163546.3); c.2371G>C, p.Glu791Gln (NM_001163547.3); c.3292G>C, p.Glu1098Gln (NM_001405103.1); c.*782G>C (NM_080551.1); short protein forms E1098Q, E791Q, E874Q, E918Q, E919Q, E997Q.
Identifiers: ClinVar variation 3045164 (VCV003045164.2), dbSNP rs150777752, ClinGen allele CA8517339.